The following is an entry in ClinVar:

ClinVar aggregate classification (germline): Likely benign. Review status: reviewed by expert panel (3 of 4 stars). 20 submissions from 20 submitters: Likely benign (1). 19 of the submissions do not count toward it. Last evaluated 2024-03-15.

Conditions:
ACVRL1-related disorder. Also called: ACVRL1-related disorders; ACVRL1-related condition.
Cardiovascular phenotype. Identifiers: MedGen CN230736.
Haemorrhagic telangiectasia 2.
Pulmonary arterial hypertension. Identifiers: Orphanet 182090, MedGen C2973725, MeSH D000081029, MONDO:0015924, HP:0002092.
Telangiectasia, hereditary hemorrhagic, type 2 (HHT2). Also called: Telangiectasia, hereditary hemorrhagic, type II; ACVRL1-Related Hereditary Hemorrhagic Telangiectasia. Identifiers: Orphanet 774, MedGen C1838163, MONDO:0010880, OMIM 600376. Disease mechanism: loss of function.
Abnormal bleeding. Also called: Bleeding diathesis. Identifiers: MedGen C1458140, HP:0001892.
Thrombocytopenia. Identifiers: MedGen C0040034, MeSH D013921, MONDO:0002049, HP:0001873.

Allele frequency attached by ClinVar (database versions not stated): 1000 Genomes Project 0.00020; 1000 Genomes Project 30x 0.00031; gnomAD exomes 0.00155 and 0.00333; ExAC 0.00167; TOPMed 0.00193; gnomAD 0.00197 and 0.00203; ESP Exome Variant Server 0.00231.
gnomAD v4.1: 5,079 of 1,613,532 alleles (0.31%); highest among the groups gnomAD compares: Non-Finnish European, 0.41%; 16 homozygotes.

Submissions (20):

ClinGen Hereditary Hemorrhagic Telangiectasia Variant Curation Expert Panel, ClinGen
Classification: Likely benign for Telangiectasia, hereditary hemorrhagic, type 2. Last evaluated: 2024-03-15. Review status: reviewed by expert panel. Criteria: ClinGen HHT ACMG Specifications ACVRL1 V1.1.0. Collection method: curation. Allele origin: germline. Inheritance: Autosomal dominant inheritance.
Comment: The NM_000020.3: c.1445C>T variant in ACVRL1 is a missense variant predicted to cause substitution of alanine by valine at amino acid 482 (p.Ala482Val). Another missense variant, c.1445C>A, Ala482Glu (PMID: 17786384, 21158752), in the same codon has been classified as likely pathogenic for autosomal dominant Hereditary Hemorrhagic Telangiectasia by the ClinGen Hereditary Hemorrhagic Telangiectasia Variant Curation Expert Panel (PM5). However, the filtering allele frequency (the lower threshold of the 95% CI of 395/129122) of the c.1445C>T variant in ACVRL1 is 0.002819 for European (non-Finnish) chromosomes by gnomAD v2.1.1, which is higher than the ClinGen Hereditary Hemorrhagic Telangiectasia Variant Curation Expert Panel threshold (>0.002) for BS1, and therefore meets this criterion (BS1). This variant has also been observed in 3 patients with an alternate molecular basis for disease (patients also carry a likely pathogenic/pathogenic ENG variant) (BP5; PMID: 15517393, Internal lab contributors). The computational predictor REVEL gives a score of 0.839, which is above the threshold of greater than or equal to 0.644, evidence that correlates with impact to ACVRL1 function (PP3). However, functional assays (BRE assay, Western blot analysis of Smad1/5 phosphorylation) in NIH-3T3 cells showed that the variant protein responded to BMP9 stimulation either measured in the BRE assay or by Smad1/5 phosphorylation, indicating that this variant does not impact protein function (BS3_Supporting; PMID: 20501893). In summary, this variant meets the criteria to be classified as likely benign for autosomal dominant hereditary hemorrhagic telangiectasia based on the ACMG/AMP criteria applied, as specified by the ClinGen Hereditary Hemorrhagic Telangiectasia Variant Curation Expert Panel: BS1, BP5, BS3_Supporting, PP3, PM5 (specification version 1.0.0; 1/4/2024).

CeGaT Center for Human Genetics Tuebingen
Classification: Likely benign. Last evaluated: 2026-07-01. Review status: criteria provided, single submitter. Criteria: CeGaT Center For Human Genetics Tuebingen Variant Classification Criteria Version 2. Collection method: clinical testing. Allele origin: germline. Affected: yes. Observed: 4 variant alleles. Not counted in ClinVar's aggregate classification.
Comment: ACVRL1: PM5, BS1, BS2

Labcorp Genetics (formerly Invitae), Labcorp
Classification: Likely benign for Telangiectasia, hereditary hemorrhagic, type 2. Last evaluated: 2026-02-03. Review status: criteria provided, single submitter. Criteria: Invitae Variant Classification Sherloc (09022015). Collection method: clinical testing. Allele origin: germline. Not counted in ClinVar's aggregate classification.

ARUP Laboratories, Molecular Genetics and Genomics, ARUP Laboratories
Classification: Benign for Telangiectasia, hereditary hemorrhagic, type 2. Last evaluated: 2025-07-18. Review status: criteria provided, single submitter. Criteria: ARUP Molecular Germline Variant Investigation Process 2024. Collection method: clinical testing. Allele origin: germline. Not counted in ClinVar's aggregate classification.

Blueprint Genetics
Classification: Likely benign. Last evaluated: 2024-11-05. Review status: criteria provided, single submitter. Criteria: ACMG Guidelines, 2015. Collection method: clinical testing. Allele origin: germline. Not counted in ClinVar's aggregate classification.

Genome-Nilou Lab
Classification: Benign for Telangiectasia, hereditary hemorrhagic, type 2. Last evaluated: 2021-12-05. Review status: criteria provided, single submitter. Criteria: ACMG Guidelines, 2015. Collection method: clinical testing. Allele origin: germline. Affected: no. Not counted in ClinVar's aggregate classification.

GeneDx
Classification: Likely benign. Last evaluated: 2020-04-02. Review status: criteria provided, single submitter. Criteria: GeneDx Variant Classification Process June 2021. Collection method: clinical testing. Allele origin: germline. Affected: yes. Not counted in ClinVar's aggregate classification.
Comment: This variant is associated with the following publications: (PMID: 10323406, 15024723, 18285823, 24055113, 20501893, 25637381, 24082139, 15880681, 19767588, 15517393, 16690726, 15879500, 27316748)

Mayo Clinic Laboratories, Mayo Clinic
Classification: Benign. Last evaluated: 2019-11-26. Review status: criteria provided, single submitter. Criteria: ACMG Guidelines, 2015. Collection method: clinical testing. Allele origin: germline. Observed: 8 variant alleles. Not counted in ClinVar's aggregate classification.

Ambry Genetics
Classification: Likely benign for Cardiovascular phenotype. Last evaluated: 2017-06-22. Review status: criteria provided, single submitter. Criteria: Ambry Variant Classification Scheme 2023. Collection method: clinical testing. Allele origin: germline. Not counted in ClinVar's aggregate classification.

Illumina Laboratory Services, Illumina
Classification: Benign for Telangiectasia, hereditary hemorrhagic, type 2. Last evaluated: 2017-04-27. Review status: criteria provided, single submitter. Criteria: ICSL Variant Classification Criteria 13 December 2019. Collection method: clinical testing. Allele origin: germline. Not counted in ClinVar's aggregate classification.
Comment: This variant was observed as part of a predisposition screen in an ostensibly healthy population. A literature search was performed for the gene, cDNA change, and amino acid change (where applicable). No publications were found based on this search. Allele frequency data from public databases was too high to be consistent with this variant causing disease. Therefore, this variant is classified as benign.

Laboratory for Molecular Medicine, Mass General Brigham Personalized Medicine
Classification: Likely benign. Last evaluated: 2016-04-25. Review status: criteria provided, single submitter. Criteria: LMM Criteria. Collection method: clinical testing. Allele origin: germline. Not counted in ClinVar's aggregate classification.
Comment: Variant identified in a genome or exome case(s) and assessed due to predicted null impact of the variant or pathogenic assertions in the literature or databases. Disclaimer: This variant has not undergone full assessment. The following are preliminary notes: Identified in multiple control cohorts; ExAC: 0.3% (190/66476) European chromosomes

Genome Diagnostics Laboratory, University Medical Center Utrecht
Classification: Benign for Telangiectasia, hereditary hemorrhagic, type 2. Last evaluated: 2014-10-09. Review status: criteria provided, single submitter. Criteria: ACGS Guidelines, 2013. Collection method: clinical testing. Allele origin: germline. Affected: yes. Study: VKGL Data-share Consensus. Not counted in ClinVar's aggregate classification.

Breakthrough Genomics
Classification: Likely benign. Review status: criteria provided, single submitter. Criteria: ACMG Guidelines, 2015. Collection method: not provided. Allele origin: germline. Inheritance: Autosomal dominant inheritance. Affected: yes. Not counted in ClinVar's aggregate classification.

John Welsh Cardiovascular Diagnostic Laboratory, Baylor College of Medicine
Classification: Uncertain significance for Pulmonary arterial hypertension. Last evaluated: 2022-09-26. Review status: no assertion criteria provided. Criteria: ACMG Guidelines, 2015. Collection method: clinical testing. Allele origin: germline. Not counted in ClinVar's aggregate classification.

PreventionGenetics, part of Exact Sciences
Classification: Likely benign for ACVRL1-related condition. Last evaluated: 2021-02-03. Review status: no assertion criteria provided. Collection method: clinical testing. Allele origin: germline. Not counted in ClinVar's aggregate classification.
Comment: This variant is classified as likely benign based on ACMG/AMP sequence variant interpretation guidelines (Richards et al. 2015 PMID: 25741868, with internal and published modifications).

Birmingham Platelet Group; University of Birmingham
Classification: Uncertain significance for Thrombocytopenia; Abnormal bleeding. Last evaluated: 2020-05-01. Review status: no assertion criteria provided. Collection method: research. Allele origin: germline. Affected: yes. Not counted in ClinVar's aggregate classification.

Genome Diagnostics Laboratory, Amsterdam University Medical Center
Classification: Likely benign for Telangiectasia, hereditary hemorrhagic, type 2. Last evaluated: 2016-11-09. Review status: no assertion criteria provided. Criteria: ACGS Guidelines, 2013. Collection method: clinical testing. Allele origin: germline. Affected: yes. Study: VKGL Data-share Consensus. Not counted in ClinVar's aggregate classification.

CSER _CC_NCGL, University of Washington
Classification: Likely benign for Haemorrhagic telangiectasia 2. Last evaluated: 2014-06-01. Review status: no assertion criteria provided. Collection method: research. Allele origin: germline. Inheritance: Autosomal dominant inheritance. Study: ESP 6500 variant annotation. Not counted in ClinVar's aggregate classification.
Comment: Variants classified for the Actionable exomic incidental findings in 6503 participants: challenges of variant classification manuscript

Clinical Genetics, Academic Medical Center
Classification: Likely benign. Review status: no assertion criteria provided. Collection method: clinical testing. Allele origin: germline. Affected: yes. Study: VKGL Data-share Consensus. Not counted in ClinVar's aggregate classification.

Laboratory of Diagnostic Genome Analysis, Leiden University Medical Center (LUMC)
Classification: Likely benign. Review status: no assertion criteria provided. Collection method: clinical testing. Allele origin: germline. Affected: yes. Study: VKGL Data-share Consensus. Not counted in ClinVar's aggregate classification.

Literature cited by the submitters: PubMed 20501893 (cited by Ambry Genetics).

NM_000020.3(ACVRL1):c.1445C>T (p.Ala482Val)

Gene: ACVRL1 (activin A receptor like type 1; plus strand). Cytogenetic location: 12q13.13.
Variant type: single nucleotide variant.
Coding change: c.1445C>T on transcript NM_000020.3 (MANE Select); coding-DNA position 1445, C replaced by T.
Protein change: p.Ala482Val; replaces alanine 482 with valine.
Molecular consequence: missense variant.
Genome position (GRCh38, 1-based): chr12:51,920,826, C>T. VCF-style: chr12-51920826-C-T. GRCh37 (hg19) VCF-style: chr12-52314610-C-T.
Other names: p.A482V:GCG>GTG; NM_000020.3(ACVRL1):c.1445C>T; c.1445C>T, p.Ala482Val (NM_001077401.2); short protein forms A482V.
Identifiers: ClinVar variation 161201 (VCV000161201.68), dbSNP rs139142865, ClinGen allele CA211324.